The following is an entry in ClinVar:

NM_133510.4(RAD51B):c.165_167dup (p.Val56_Ser57insVal)

Gene: RAD51B (RAD51 paralog B; plus strand). Cytogenetic location: 14q24.1.
Variant type: Duplication.
Coding change: c.165_167dup on transcript NM_133510.4 (MANE Select); coding-DNA positions 165 to 167, 3 bases duplicated (GGT; older notation c.165_167dupGGT).
Protein change: p.Val56_Ser57insVal.
Molecular consequence: 5 prime UTR variant (on NM_001321817.2).
Genome position (GRCh38, 1-based): chr14:67,825,544-67,825,546, GGT duplicated; duplicating any 3 consecutive bases within chr14:67,825,543-67,825,546 gives the same sequence; the c. name uses the placement nearest the transcript's 3' end. VCF-style (leftmost placement, unchanged base first): chr14-67825542-A-ATGG. GRCh37 (hg19) VCF-style: chr14-68292259-A-ATGG.
Other names: c.165_167dup, p.Val56_Ser57insVal (NM_001321809.2, NM_001321810.2, NM_001321812.1 and 6 more transcripts); c.51_53dup, p.Val18_Ser19insVal (NM_001321815.1); c.-291_-289dup (NM_001321817.2).
Identifiers: ClinVar variation 3429643 (VCV003429643.1).

ClinVar aggregate classification (germline): Uncertain significance (1 of 4 stars; one submission).

Submission:

Ambry Genetics
Classification: Uncertain significance. Last evaluated: 2024-12-09. Review status: criteria provided, single submitter. Criteria: Ambry Variant Classification Scheme 2023. Collection method: clinical testing. Allele origin: germline.
Comment: The c.165_167dupGGT variant (also known as p.V56dup), located in coding exon 2 of the RAD51B gene, results from an in-frame duplication of GGT at nucleotide positions 165 to 167. This results in the duplication of a valine residue at codon 56. This amino acid position is highly conserved in available vertebrate species. In addition, the in silico prediction for this alteration is inconclusive (Choi Y et al. PLoS ONE. 2012; 7(10):e46688). The evidence for this gene-disease relationship is limited; therefore, the clinical significance of this alteration is unclear.